The following is an entry in ClinVar:

ClinVar aggregate classification (germline): Likely benign. Review status: criteria provided, single submitter (1 of 4 stars). 2 submissions from 2 submitters: Likely benign (1). 1 of the submissions does not count toward it. Last evaluated 2025-03-25.

Conditions:
HNRNPDL-related disorder. Also called: HNRNPDL-related condition.
Autosomal dominant limb-girdle muscular dystrophy type 1G (LGMDD3). Also called: MUSCULAR DYSTROPHY, LIMB-GIRDLE, AUTOSOMAL DOMINANT 3; Limb-girdle muscular dystrophy, type 1G. Identifiers: Orphanet 55596, MedGen C1836765, MONDO:0012193, OMIM 609115.

Allele frequency attached by ClinVar (database versions not stated): gnomAD exomes 0.00003 and 0.00007; ExAC 0.00006; gnomAD 0.00006 and 0.00007; TOPMed 0.00019.
gnomAD v4.1: 59 of 1,613,564 alleles (0.0037%); highest among the groups gnomAD compares: Admixed American, 0.043%; no homozygotes.

Submissions (2):

Labcorp Genetics (formerly Invitae), Labcorp
Classification: Likely benign for Autosomal dominant limb-girdle muscular dystrophy type 1G. Last evaluated: 2025-03-25. Review status: criteria provided, single submitter. Criteria: Invitae Variant Classification Sherloc (09022015). Collection method: clinical testing. Allele origin: germline.

PreventionGenetics, part of Exact Sciences
Classification: Likely benign for HNRNPDL-related condition. Last evaluated: 2023-04-17. Review status: no assertion criteria provided. Collection method: clinical testing. Allele origin: germline. Not counted in ClinVar's aggregate classification.
Comment: This variant is classified as likely benign based on ACMG/AMP sequence variant interpretation guidelines (Richards et al. 2015 PMID: 25741868, with internal and published modifications).

NM_031372.4(HNRNPDL):c.969T>G (p.Gly323=)

Gene: HNRNPDL (heterogeneous nuclear ribonucleoprotein D like; minus strand). Cytogenetic location: 4q21.22.
Variant type: single nucleotide variant.
Coding change: c.969T>G on transcript NM_031372.4 (MANE Select); coding-DNA position 969, T replaced by G.
Protein change: p.Gly323=; no amino-acid change (glycine 323 retained).
Molecular consequence: synonymous variant. On other transcripts: non-coding transcript variant (1).
Genome position (GRCh38, 1-based): chr4:82,427,242, A>C on the plus strand (T>G on the coding strand, the complement: HNRNPDL is on the minus strand). VCF-style: chr4-82427242-A-C. GRCh37 (hg19) VCF-style: chr4-83348395-A-C.
Other names: c.969T>G, p.Gly323= (NM_001207000.1); c.969T>G (NM_031372.3).
Identifiers: ClinVar variation 1632890 (VCV001632890.10), dbSNP rs757576538, ClinGen allele CA2984818.